The following is an entry in ClinVar:

ClinVar aggregate classification (germline): Conflicting classifications of pathogenicity. Review status: criteria provided, conflicting classifications (1 of 4 stars). 2 submissions from 2 submitters: Uncertain significance (1); Likely benign (1). Last evaluated 2025-08-08.

Conditions:
Multiple epiphyseal dysplasia type 4 (EDM4). Also called: Multiple Epiphyseal Dysplasia, Recessive; MULTIPLE EPIPHYSEAL DYSPLASIA WITH BILAYERED PATELLAE; MULTIPLE EPIPHYSEAL DYSPLASIA WITH CLUBFOOT; MULTIPLE EPIPHYSEAL DYSPLASIA, AUTOSOMAL RECESSIVE; SLC26A2-Related Multiple Epiphyseal Dysplasia. Identifiers: Orphanet 93307, MedGen C1847593, MONDO:0009189, OMIM 226900.
Achondrogenesis, type IB (ACG1B). Also called: Achondrogenesis Type 1B. Identifiers: Orphanet 932, Orphanet 93298, MedGen C0265274, MONDO:0010966, OMIM 600972.
Atelosteogenesis type II (AO2). Also called: NEONATAL OSSEOUS DYSPLASIA I; Neonatal osseous dysplasia 1; SLC26A2-Related Atelosteogenesis. Identifiers: Orphanet 56304, MedGen C1850554, MONDO:0009727, OMIM 256050.
Diastrophic dysplasia (DTD). Also called: Diastrophic dwarfism. Identifiers: Orphanet 628, MedGen C0220726, MONDO:0009107, OMIM 222600.
Inborn genetic diseases. Identifiers: MedGen C0950123, MeSH D030342.

Allele frequency attached by ClinVar (database versions not stated): gnomAD 0.00003; TOPMed 0.00003; ExAC 0.00004; gnomAD exomes 0.00004.
gnomAD v4.1: 67 of 1,614,040 alleles (0.0042%); highest among the groups gnomAD compares: South Asian, 0.0077%; no homozygotes.

Submissions (2):

Ambry Genetics
Classification: Likely benign for Inborn genetic diseases. Last evaluated: 2025-08-08. Review status: criteria provided, single submitter. Criteria: Ambry Variant Classification Scheme 2023. Collection method: clinical testing. Allele origin: germline.

Labcorp Genetics (formerly Invitae), Labcorp
Classification: Uncertain significance for Atelosteogenesis type II; Multiple epiphyseal dysplasia type 4; Achondrogenesis, type IB; Diastrophic dysplasia. Last evaluated: 2022-03-26. Review status: criteria provided, single submitter. Criteria: Invitae Variant Classification Sherloc (09022015). Collection method: clinical testing. Allele origin: germline.
Comment: This sequence change replaces isoleucine, which is neutral and non-polar, with valine, which is neutral and non-polar, at codon 607 of the SLC26A2 protein (p.Ile607Val). This variant is present in population databases (rs756361392, gnomAD 0.01%). This variant has not been reported in the literature in individuals affected with SLC26A2-related conditions. Advanced modeling of protein sequence and biophysical properties (such as structural, functional, and spatial information, amino acid conservation, physicochemical variation, residue mobility, and thermodynamic stability) performed at Invitae indicates that this missense variant is not expected to disrupt SLC26A2 protein function. Algorithms developed to predict the effect of sequence changes on RNA splicing suggest that this variant may create or strengthen a splice site. In summary, the available evidence is currently insufficient to determine the role of this variant in disease. Therefore, it has been classified as a Variant of Uncertain Significance.

NM_000112.4(SLC26A2):c.1819A>G (p.Ile607Val)

Gene: SLC26A2 (solute carrier family 26 member 2; plus strand). Cytogenetic location: 5q32.
Variant type: single nucleotide variant.
Coding change: c.1819A>G on transcript NM_000112.4 (MANE Select); coding-DNA position 1819, A replaced by G.
Protein change: p.Ile607Val; replaces isoleucine 607 with valine.
Molecular consequence: missense variant.
Genome position (GRCh38, 1-based): chr5:149,981,412, A>G. VCF-style: chr5-149981412-A-G. GRCh37 (hg19) VCF-style: chr5-149360975-A-G.
Other names: short protein forms I607V.
Identifiers: ClinVar variation 2196270 (VCV002196270.2), dbSNP rs756361392, ClinGen allele CA3505500.
Genomic context (GRCh38, chr5:149,981,412, plus strand): 5'-CTCTACTACATAAACAAAGAATGCTTTAAATCTGCTTTATACAAACAAACTGTCAACCCA[A>G]TCTTAATAAAGGTGGCTTGGAAGAAGGCAGCAAAGAGAAAGATCAAAGAAAAAGTAGTGA-3'
Protein context (NP_000103.2, residues 597-617): SALYKQTVNP[Ile607Val]LIKVAWKKAA